The following is an entry in ClinVar:

ClinVar aggregate classification (germline): Conflicting classifications of pathogenicity. Review status: criteria provided, conflicting classifications (1 of 4 stars). 7 submissions from 7 submitters: Pathogenic (1); Uncertain significance (5); Likely benign (1). Last evaluated 2026-01-21.

Conditions:
COL1A1-related disorder. Also called: COL1A1- related disease; COL1A1-related condition.
Cardiovascular phenotype. Identifiers: MedGen CN230736.
Osteogenesis imperfecta type I (OI1). Also called: OSTEOGENESIS IMPERFECTA WITH BLUE SCLERAE; Osteogenesis imperfecta type 1; Lobstein's Disease; OI, TYPE I; OSTEOGENESIS IMPERFECTA TARDA; Classic Non-deforming Osteogenesis Imperfecta with Blue Sclerae. Identifiers: Orphanet 216796, Orphanet 666, MedGen C0023931, MONDO:0008146, OMIM 166200. Disease mechanism: loss of function.

Submissions (7):

Labcorp Genetics (formerly Invitae), Labcorp
Classification: Pathogenic for Osteogenesis imperfecta type I. Last evaluated: 2026-01-21. Review status: criteria provided, single submitter. Criteria: Invitae Variant Classification Sherloc (09022015). Collection method: clinical testing. Allele origin: germline.
Comment: This sequence change affects codon 946 of the COL1A1 mRNA. It is a 'silent' change, meaning that it does not change the encoded amino acid sequence of the COL1A1 protein. This variant is not present in population databases (gnomAD no frequency). This variant has been observed in individual(s) with osteogenesis imperfecta (PMID: 27090748; internal data). It has also been observed to segregate with disease in related individuals. ClinVar contains an entry for this variant (Variation ID: 499452). Algorithms developed to predict the effect of sequence changes on RNA splicing suggest that this variant is not likely to affect RNA splicing. For these reasons, this variant has been classified as Pathogenic.

PreventionGenetics, part of Exact Sciences
Classification: Uncertain significance for COL1A1-related condition. Last evaluated: 2025-09-16. Review status: criteria provided, single submitter. Criteria: ACMG Guidelines, 2015. Collection method: clinical testing. Allele origin: germline.
Comment: The COL1A1 c.2838T>G variant is not predicted to result in an amino acid change (p.=). This variant has been reported as uncertain significance/likely benign in one individual with blue sclerae (Zarate et al. 2016. PubMed ID: 27090748). This variant is not predicted to interfere with splicing based on available splicing prediction tools (SpliceAI, Jaganathan et al. 2019. PubMed ID: 30661751). However, the use of computer prediction tools is not equivalent to functional evidence. This variant has not been reported in a large population database (gnomAD), indicating this variant is rare. In ClinVar, this variant has been interpreted with classifications ranging from likely benign to uncertain significance and pathogenic. Although we suspect that this variant may be benign, at this time, the clinical significance of this variant is uncertain due to the absence of conclusive functional and genetic evidence.

Ambry Genetics
Classification: Uncertain significance for Cardiovascular phenotype. Last evaluated: 2025-04-23. Review status: criteria provided, single submitter. Criteria: Ambry Variant Classification Scheme 2023. Collection method: clinical testing. Allele origin: germline.
Comment: The c.2838T>G variant (also known as p.P946P), located in coding exon 40 of the COL1A1 gene, results from a T to G substitution at nucleotide position 2838. This nucleotide substitution does not change the amino acid at codon 946. This variant was reported in several individuals with features consistent with COL1A1-related osteogenesis imperfecta (Zarate YA et al. Am J Med Genet A, 2016 Jul;170:1858-62; Ambry internal data; external communication). This nucleotide position is not well conserved in available vertebrate species. In silico splice site analysis predicts that this alteration will not have any significant effect on splicing. RNA studies did not detect abnormal splicing in the set of samples tested (Ambry internal data). Based on the available evidence, the clinical significance of this variant remains unclear.

Blueprint Genetics
Classification: Uncertain significance. Last evaluated: 2021-08-31. Review status: criteria provided, single submitter. Criteria: ACMG Guidelines, 2015. Collection method: clinical testing. Allele origin: germline.

GeneDx
Classification: Likely benign. Last evaluated: 2019-07-30. Review status: criteria provided, single submitter. Criteria: GeneDx Variant Classification Process June 2021. Collection method: clinical testing. Allele origin: germline. Affected: yes.
Comment: This variant is associated with the following publications: (PMID: 27090748)

Athena Diagnostics
Classification: Uncertain significance. Last evaluated: 2018-12-26. Review status: criteria provided, single submitter. Criteria: Athena Diagnostics Criteria. Collection method: clinical testing. Allele origin: germline.

Eurofins Ntd Llc (ga)
Classification: Uncertain significance. Last evaluated: 2017-01-11. Review status: criteria provided, single submitter. Criteria: EGL Classification Definitions 2015. Collection method: clinical testing. Allele origin: germline. Observed: 1 variant allele, 1 heterozygote.

Literature cited by the submitters: PubMed 27090748 (cited by 3 submitters).

NM_000088.4(COL1A1):c.2838T>G (p.Pro946=)

Gene: COL1A1 (collagen type I alpha 1 chain; minus strand). Cytogenetic location: 17q21.33.
Variant type: single nucleotide variant.
Coding change: c.2838T>G on transcript NM_000088.4 (MANE Select); coding-DNA position 2838, T replaced by G.
Protein change: p.Pro946=; no amino-acid change (proline 946 retained).
Molecular consequence: synonymous variant.
Genome position (GRCh38, 1-based): chr17:50,189,267, A>C on the plus strand (T>G on the coding strand, the complement: COL1A1 is on the minus strand). VCF-style: chr17-50189267-A-C. GRCh37 (hg19) VCF-style: chr17-48266628-A-C.
Identifiers: ClinVar variation 499452 (VCV000499452.25), dbSNP rs1555572418, ClinGen allele CA500992037.